The following is an entry in ClinVar:

ClinVar aggregate classification (germline): Likely benign. Review status: criteria provided, multiple submitters, no conflicts (2 of 4 stars). 4 submissions from 4 submitters: Likely benign (3). 1 of the submissions does not count toward it. Last evaluated 2025-03-04.

Conditions:
NF1-related disorder. Also called: NF1-related condition. Identifiers: MedGen CN379171.

Allele frequency attached by ClinVar (database versions not stated): 1000 Genomes Project 30x 0.00390; TOPMed 0.00400; 1000 Genomes Project 0.00419; gnomAD 0.00422 and 0.00459; ESP Exome Variant Server 0.00469; gnomAD exomes 0.00661 and 0.00751; ExAC 0.00706.
gnomAD v4.1: 11,565 of 1,609,164 alleles (0.72%); highest among the groups gnomAD compares: South Asian, 1.9%; 83 homozygotes.

Submissions (5):

Center for Genomic Medicine, Rigshospitalet, Copenhagen University Hospital
Classification: Likely benign. Last evaluated: 2025-03-04. Review status: criteria provided, single submitter. Criteria: ACMG Guidelines, 2015. Collection method: clinical testing. Allele origin: germline.

GeneDx
Classification: Likely benign. Last evaluated: 2018-06-15. Review status: criteria provided, single submitter. Criteria: GeneDx Variant Classification (06012015). Collection method: clinical testing. Allele origin: germline. Affected: yes.
Comment: This variant is considered likely benign or benign based on one or more of the following criteria: it is a conservative change, it occurs at a poorly conserved position in the protein, it is predicted to be benign by multiple in silico algorithms, and/or has population frequency not consistent with disease.

Breakthrough Genomics
Classification: Likely benign. Review status: criteria provided, single submitter. Criteria: ACMG Guidelines, 2015. Collection method: not provided. Allele origin: germline. Inheritance: Autosomal dominant inheritance. Affected: yes.

PreventionGenetics, part of Exact Sciences
Classification: Benign for NF1-related condition. Last evaluated: 2019-05-02. Review status: no assertion criteria provided. Collection method: clinical testing. Allele origin: germline. Not counted in ClinVar's aggregate classification.
Comment: This variant is classified as benign based on ACMG/AMP sequence variant interpretation guidelines (Richards et al. 2015 PMID: 25741868, with internal and published modifications).

Dr. Peter K. Rogan Lab, Western University
No classification provided (evidence only). Condition: Cervical cancer. Review status: no classification provided. Collection method: in vitro. Allele origin: not applicable. Functional consequence: retained intron. Not counted in ClinVar's aggregate classification.

NM_001042492.3(NF1):c.7738+46G>A

Gene: NF1 (neurofibromin 1; plus strand). Cytogenetic location: 17q11.2.
Variant type: single nucleotide variant.
Coding change: c.7738+46G>A on transcript NM_001042492.3 (MANE Select); 46 bases into the intron after coding-DNA position 7738, G replaced by A.
Molecular consequence: intron variant.
Genome position (GRCh38, 1-based): chr17:31,356,628, G>A. VCF-style: chr17-31356628-G-A. GRCh37 (hg19) VCF-style: chr17-29683646-G-A.
Other names: NC_000017.10:g.29683646G>A; c.7675+46G>A (NM_000267.4).
Identifiers: ClinVar variation 257304 (VCV000257304.13), dbSNP rs199641099, ClinGen allele CA8487647.